The following is an entry in ClinVar:

ClinVar aggregate classification (germline): Pathogenic (1 of 4 stars; one submission).

Conditions:
Cohen syndrome (COH1). Also called: PEPPER SYNDROME; Cutis verticis gyrata, retinitis pigmentosa, and sensorineural deafness. Identifiers: Orphanet 193, MedGen C0265223, MONDO:0008999, OMIM 216550.

Submission:

Labcorp Genetics (formerly Invitae), Labcorp
Classification: Pathogenic for Cohen syndrome. Last evaluated: 2021-08-04. Review status: criteria provided, single submitter. Criteria: Invitae Variant Classification Sherloc (09022015). Collection method: clinical testing. Allele origin: germline.
Comment: This variant is a gross deletion of the genomic region encompassing exon(s) 9-19 of the VPS13B gene. This deletion is out-of-frame, and is expected to create a premature translational stop signal and result in an absent or disrupted protein product. Loss-of-function variants in VPS13B are known to be pathogenic (PMID: 15141358, 16648375, 20461111). A similar copy number variant has been observed in individual(s) with Cohen syndrome (PMID: 30843084). For these reasons, this variant has been classified as Pathogenic.

Literature cited by the submitters: PubMed 15141358; PubMed 16648375; PubMed 20461111; PubMed 30843084.

NC_000008.10:g.(?_100146850)_(100287492_?)del

Gene: VPS13B (vacuolar protein sorting 13 homolog B; plus strand). Cytogenetic location: 8q22.2.
Variant type: Deletion.
Identifiers: ClinVar variation 1074933 (VCV001074933.6).